The following is an entry in ClinVar:

NM_001360016.2(G6PD):c.644+6G>A

Gene: G6PD (glucose-6-phosphate dehydrogenase; minus strand). Cytogenetic location: Xq28.
Variant type: single nucleotide variant.
Coding change: c.644+6G>A on transcript NM_001360016.2 (MANE Select); 6 bases into the intron after coding-DNA position 644, G replaced by A.
Molecular consequence: intron variant.
Genome position (GRCh38, 1-based): chrX:154,534,332, C>T on the plus strand (G>A on the coding strand, the complement: G6PD is on the minus strand). VCF-style: chrX-154534332-C-T. GRCh37 (hg19) VCF-style: chrX-153762547-C-T.
Other names: c.734+6G>A (NM_000402.4); c.644+6G>A (NM_001042351.3).
Identifiers: ClinVar variation 2035796 (VCV002035796.4), dbSNP rs2523267753, ClinGen allele CA2580101933.

ClinVar aggregate classification (germline): Uncertain significance (1 of 4 stars; one submission).

Conditions:
Anemia, nonspherocytic hemolytic, due to G6PD deficiency (CNSHA1). Also called: ANEMIA, CONGENITAL, NONSPHEROCYTIC HEMOLYTIC, 1; Hemolytic anemia due to G6PD deficiency; Class I glucose-6-phosphate dehydrogenase deficiency; Favism, susceptibility to. Identifiers: Orphanet 466026, MedGen C2720289, MONDO:0010480, OMIM 300908.

Submission:

Labcorp Genetics (formerly Invitae), Labcorp
Classification: Uncertain significance for Anemia, nonspherocytic hemolytic, due to G6PD deficiency. Last evaluated: 2022-10-16. Review status: criteria provided, single submitter. Criteria: Invitae Variant Classification Sherloc (09022015). Collection method: clinical testing. Allele origin: germline.
Comment: In summary, the available evidence is currently insufficient to determine the role of this variant in disease. Therefore, it has been classified as a Variant of Uncertain Significance. Variants that disrupt the consensus splice site are a relatively common cause of aberrant splicing (PMID: 17576681, 9536098). Algorithms developed to predict the effect of sequence changes on RNA splicing suggest that this variant is not likely to affect RNA splicing. This variant has not been reported in the literature in individuals affected with G6PD-related conditions. This variant is not present in population databases (gnomAD no frequency). This sequence change falls in intron 6 of the G6PD gene. It does not directly change the encoded amino acid sequence of the G6PD protein. It affects a nucleotide within the consensus splice site.

Literature cited by the submitters: PubMed 17576681; PubMed 9536098.